The following is an entry in ClinVar:

ClinVar aggregate classification (germline): Conflicting classifications of pathogenicity. Review status: criteria provided, conflicting classifications (1 of 4 stars). 2 submissions from 2 submitters: Uncertain significance (1); Likely benign (1). Last evaluated 2025-06-25.

Conditions:
Hereditary cancer-predisposing syndrome. Also called: Neoplastic Syndromes, Hereditary; Tumor predisposition; Hereditary neoplastic syndrome; Hereditary Cancer Syndrome. Identifiers: Orphanet 140162, MedGen C0027672, MeSH D009386, MONDO:0015356.

Allele frequency attached by ClinVar (database versions not stated): TOPMed below 0.00001.
gnomAD v4.1: 3 of 1,614,072 alleles (0.00019%); highest among the groups gnomAD compares: African/African-American, 0.0013%; no homozygotes.

Submissions (2):

Ambry Genetics
Classification: Likely benign for Hereditary cancer-predisposing syndrome. Last evaluated: 2025-06-25. Review status: criteria provided, single submitter. Criteria: Ambry Variant Classification Scheme 2023. Collection method: clinical testing. Allele origin: germline.

Labcorp Genetics (formerly Invitae), Labcorp
Classification: Uncertain significance. Last evaluated: 2024-02-17. Review status: criteria provided, single submitter. Criteria: Invitae Variant Classification Sherloc (09022015). Collection method: clinical testing. Allele origin: germline.
Comment: This sequence change replaces alanine, which is neutral and non-polar, with threonine, which is neutral and polar, at codon 374 of the POLE protein (p.Ala374Thr). This variant is present in population databases (no rsID available, gnomAD 0.0009%). This variant has not been reported in the literature in individuals affected with POLE-related conditions. ClinVar contains an entry for this variant (Variation ID: 644544). Advanced modeling of protein sequence and biophysical properties (such as structural, functional, and spatial information, amino acid conservation, physicochemical variation, residue mobility, and thermodynamic stability) performed at Invitae indicates that this missense variant is not expected to disrupt POLE protein function with a negative predictive value of 80%. In summary, the available evidence is currently insufficient to determine the role of this variant in disease. Therefore, it has been classified as a Variant of Uncertain Significance.

NM_006231.4(POLE):c.1120G>A (p.Ala374Thr)

Gene: POLE (DNA polymerase epsilon, catalytic subunit; minus strand). Cytogenetic location: 12q24.33.
Variant type: single nucleotide variant.
Coding change: c.1120G>A on transcript NM_006231.4 (MANE Select); coding-DNA position 1120, G replaced by A.
Protein change: p.Ala374Thr; replaces alanine 374 with threonine.
Molecular consequence: missense variant.
Genome position (GRCh38, 1-based): chr12:132,675,504, C>T on the plus strand (G>A on the coding strand, the complement: POLE is on the minus strand). VCF-style: chr12-132675504-C-T. GRCh37 (hg19) VCF-style: chr12-133252090-C-T.
Other names: short protein forms A374T.
Identifiers: ClinVar variation 644544 (VCV000644544.16), dbSNP rs1188949540, ClinGen allele CA387361168.